The following is an entry in ClinVar:

NM_001182.5(ALDH7A1):c.119C>T (p.Ala40Val)

Gene: ALDH7A1 (aldehyde dehydrogenase 7 family member A1; minus strand). Cytogenetic location: 5q23.2.
Variant type: single nucleotide variant.
Coding change: c.119C>T on transcript NM_001182.5 (MANE Select); coding-DNA position 119, C replaced by T.
Protein change: p.Ala40Val; replaces alanine 40 with valine.
Molecular consequence: missense variant.
Genome position (GRCh38, 1-based): chr5:126,595,080, G>A on the plus strand (C>T on the coding strand, the complement: ALDH7A1 is on the minus strand). VCF-style: chr5-126595080-G-A. GRCh37 (hg19) VCF-style: chr5-125930772-G-A.
Other names: c.35C>T, p.Ala12Val (NM_001201377.2); c.119C>T, p.Ala40Val (NM_001202404.2); short protein forms A40V, A12V.
Identifiers: ClinVar variation 350587 (VCV000350587.10), dbSNP rs745385277, ClinGen allele CA3389919.

ClinVar aggregate classification (germline): Uncertain significance. Review status: criteria provided, multiple submitters, no conflicts (2 of 4 stars). 3 submissions from 3 submitters: Uncertain significance (3). Last evaluated 2023-04-11.

Conditions:
Pyridoxine-dependent epilepsy (EPEO4). Also called: Pyridoxine-Dependent Epilepsy - ALDH7A1; EPILEPSY, EARLY-ONSET, 4, VITAMIN B6-DEPENDENT; Pyridoxine-Dependent Seizures; PYRIDOXINE DEPENDENCY WITH SEIZURES. Identifiers: Orphanet 3006, MedGen C1849508, MONDO:0009945, OMIM 266100. Disease mechanism: loss of function.

Allele frequency attached by ClinVar (database versions not stated): gnomAD 0.00001; gnomAD exomes 0.00001; ExAC 0.00002.
gnomAD v4.1: 8 of 1,605,628 alleles (0.0005%); highest among the groups gnomAD compares: East Asian, 0.013%; no homozygotes.

Submissions (3):

Genome-Nilou Lab
Classification: Uncertain significance for Pyridoxine-dependent epilepsy. Last evaluated: 2023-04-11. Review status: criteria provided, single submitter. Criteria: ACMG Guidelines, 2015. Collection method: clinical testing. Allele origin: germline. Affected: no.

Labcorp Genetics (formerly Invitae), Labcorp
Classification: Uncertain significance for Pyridoxine-dependent epilepsy. Last evaluated: 2022-07-19. Review status: criteria provided, single submitter. Criteria: Invitae Variant Classification Sherloc (09022015). Collection method: clinical testing. Allele origin: germline.
Comment: This sequence change replaces alanine, which is neutral and non-polar, with valine, which is neutral and non-polar, at codon 40 of the ALDH7A1 protein (p.Ala40Val). The frequency data for this variant in the population databases is considered unreliable, as metrics indicate poor data quality at this position in the gnomAD database. This variant has not been reported in the literature in individuals affected with ALDH7A1-related conditions. ClinVar contains an entry for this variant (Variation ID: 350587). Advanced modeling of protein sequence and biophysical properties (such as structural, functional, and spatial information, amino acid conservation, physicochemical variation, residue mobility, and thermodynamic stability) performed at Invitae indicates that this missense variant is not expected to disrupt ALDH7A1 protein function. Algorithms developed to predict the effect of sequence changes on RNA splicing suggest that this variant may create or strengthen a splice site. In summary, the available evidence is currently insufficient to determine the role of this variant in disease. Therefore, it has been classified as a Variant of Uncertain Significance.

Illumina Laboratory Services, Illumina
Classification: Uncertain significance for Pyridoxine-dependent epilepsy. Last evaluated: 2018-01-13. Review status: criteria provided, single submitter. Criteria: ICSL Variant Classification Criteria 13 December 2019. Collection method: clinical testing. Allele origin: germline.